The following is an entry in ClinVar:

NM_014249.4(NR2E3):c.11G>A (p.Arg4Lys)

Gene: NR2E3 (nuclear receptor subfamily 2 group E member 3; plus strand). Cytogenetic location: 15q23.
Variant type: single nucleotide variant.
Coding change: c.11G>A on transcript NM_014249.4 (MANE Select); coding-DNA position 11, G replaced by A.
Protein change: p.Arg4Lys; replaces arginine 4 with lysine.
Molecular consequence: missense variant.
Genome position (GRCh38, 1-based): chr15:71,810,754, G>A. VCF-style: chr15-71810754-G-A. GRCh37 (hg19) VCF-style: chr15-72103094-G-A.
Other names: c.11G>A, p.Arg4Lys (NM_016346.4); c.11G>A (NM_014249.2); short protein forms R4K.
Identifiers: ClinVar variation 2085676 (VCV002085676.4), dbSNP rs1417303545, ClinGen allele CA393031364.

ClinVar aggregate classification (germline): Uncertain significance. Review status: criteria provided, multiple submitters, no conflicts (2 of 4 stars). 2 submissions from 2 submitters: Uncertain significance (2). Last evaluated 2025-09-24.

Conditions:
Inborn genetic diseases. Identifiers: MedGen C0950123, MeSH D030342.

Allele frequency attached by ClinVar (database versions not stated): TOPMed 0.00001; gnomAD 0.00002.
gnomAD v4.1: 9 of 1,570,238 alleles (0.00057%); highest among the groups gnomAD compares: Admixed American, 0.015%; no homozygotes.

Submissions (2):

Labcorp Genetics (formerly Invitae), Labcorp
Classification: Uncertain significance. Last evaluated: 2025-09-24. Review status: criteria provided, single submitter. Criteria: Invitae Variant Classification Sherloc (09022015). Collection method: clinical testing. Allele origin: germline.
Comment: This sequence change replaces arginine, which is basic and polar, with lysine, which is basic and polar, at codon 4 of the NR2E3 protein (p.Arg4Lys). The frequency data for this variant in the population databases is considered unreliable, as metrics indicate poor data quality at this position in the gnomAD database. This missense change has been observed in individual(s) with clinical features of retinitis pigmentosa (internal data). ClinVar contains an entry for this variant (Variation ID: 2085676). Invitae Evidence Modeling of protein sequence and biophysical properties (such as structural, functional, and spatial information, amino acid conservation, physicochemical variation, residue mobility, and thermodynamic stability) has been performed for this missense variant. However, the output from this modeling did not meet the statistical confidence thresholds required to predict the impact of this variant on NR2E3 protein function. In summary, the available evidence is currently insufficient to determine the role of this variant in disease. Therefore, it has been classified as a Variant of Uncertain Significance.

Ambry Genetics
Classification: Uncertain significance for Inborn genetic diseases. Last evaluated: 2025-08-02. Review status: criteria provided, single submitter. Criteria: Ambry Variant Classification Scheme 2023. Collection method: clinical testing. Allele origin: germline.